The following is an entry in ClinVar:

NM_002618.4(PEX13):c.716T>C (p.Phe239Ser)

Gene: PEX13 (peroxisomal biogenesis factor 13; plus strand). Cytogenetic location: 2p15.
Variant type: single nucleotide variant.
Coding change: c.716T>C on transcript NM_002618.4 (MANE Select); coding-DNA position 716, T replaced by C.
Protein change: p.Phe239Ser; replaces phenylalanine 239 with serine.
Molecular consequence: missense variant.
Genome position (GRCh38, 1-based): chr2:61,032,042, T>C. VCF-style: chr2-61032042-T-C. GRCh37 (hg19) VCF-style: chr2-61259177-T-C.
Other names: short protein forms F239S.
Identifiers: ClinVar variation 1971477 (VCV001971477.2), dbSNP rs766284169, ClinGen allele CA1673337.

ClinVar aggregate classification (germline): Uncertain significance (1 of 4 stars; one submission).

Conditions:
Peroxisome biogenesis disorder 11A (Zellweger). Also called: Peroxisome biogenesis disorder 11A. Identifiers: Orphanet 912, MedGen C3554000, MONDO:0013949, OMIM 614883.

Allele frequency attached by ClinVar (database versions not stated): TOPMed below 0.00001; gnomAD exomes 0.00001; ExAC 0.00004.

Submission:

Labcorp Genetics (formerly Invitae), Labcorp
Classification: Uncertain significance for Peroxisome biogenesis disorder 11A (Zellweger). Last evaluated: 2022-07-02. Review status: criteria provided, single submitter. Criteria: Invitae Variant Classification Sherloc (09022015). Collection method: clinical testing. Allele origin: germline.
Comment: This sequence change replaces phenylalanine, which is neutral and non-polar, with serine, which is neutral and polar, at codon 239 of the PEX13 protein (p.Phe239Ser). This variant is present in population databases (rs766284169, gnomAD 0.004%). This variant has not been reported in the literature in individuals affected with PEX13-related conditions. Algorithms developed to predict the effect of missense changes on protein structure and function (SIFT, PolyPhen-2, Align-GVGD) all suggest that this variant is likely to be disruptive. In summary, the available evidence is currently insufficient to determine the role of this variant in disease. Therefore, it has been classified as a Variant of Uncertain Significance.